The following is an entry in ClinVar:

NM_000890.5(KCNJ5):c.499C>T (p.Leu167Phe)

Gene: KCNJ5 (potassium inwardly rectifying channel subfamily J member 5; plus strand). Cytogenetic location: 11q24.3.
Variant type: single nucleotide variant.
Coding change: c.499C>T on transcript NM_000890.5 (MANE Select); coding-DNA position 499, C replaced by T.
Protein change: p.Leu167Phe; replaces leucine 167 with phenylalanine.
Molecular consequence: missense variant.
Genome position (GRCh38, 1-based): chr11:128,911,772, C>T. VCF-style: chr11-128911772-C-T. GRCh37 (hg19) VCF-style: chr11-128781667-C-T.
Other names: c.499C>T, p.Leu167Phe (NM_001354169.2); short protein forms L167F.
Identifiers: ClinVar variation 4614382 (VCV004614382.1).

ClinVar aggregate classification (germline): Uncertain significance (1 of 4 stars; one submission).

Conditions:
Cardiovascular phenotype. Identifiers: MedGen CN230736.

gnomAD v4.1: 1 of 1,614,198 alleles (0.000062%); highest among the groups gnomAD compares: Non-Finnish European, 0.000085%; no homozygotes.

Submission:

Ambry Genetics
Classification: Uncertain significance for Cardiovascular phenotype. Last evaluated: 2025-09-23. Review status: criteria provided, single submitter. Criteria: Ambry Variant Classification Scheme 2023. Collection method: clinical testing. Allele origin: germline.
Comment: The p.L167F variant (also known as c.499C>T), located in coding exon 1 of the KCNJ5 gene, results from a C to T substitution at nucleotide position 499. The leucine at codon 167 is replaced by phenylalanine, an amino acid with highly similar properties. This amino acid position is highly conserved in available vertebrate species. In addition, this alteration is predicted to be deleterious by in silico analysis. Based on the available evidence, the clinical significance of this variant remains unclear.